The following is an entry in ClinVar:

NM_007254.4(PNKP):c.1378A>T (p.Asn460Tyr)

Gene: PNKP (polynucleotide kinase 3'-phosphatase; minus strand). Cytogenetic location: 19q13.33.
Variant type: single nucleotide variant.
Coding change: c.1378A>T on transcript NM_007254.4 (MANE Select); coding-DNA position 1378, A replaced by T.
Protein change: p.Asn460Tyr; replaces asparagine 460 with tyrosine.
Molecular consequence: missense variant.
Genome position (GRCh38, 1-based): chr19:49,861,616, T>A on the plus strand (A>T on the coding strand, the complement: PNKP is on the minus strand). VCF-style: chr19-49861616-T-A. GRCh37 (hg19) VCF-style: chr19-50364873-T-A.
Other names: short protein forms N460Y.
Identifiers: ClinVar variation 3373729 (VCV003373729.1).

ClinVar aggregate classification (germline): Uncertain significance (1 of 4 stars; one submission).

Submission:

GeneDx
Classification: Uncertain significance. Last evaluated: 2024-03-07. Review status: criteria provided, single submitter. Criteria: GeneDx Variant Classification Process June 2021. Collection method: clinical testing. Allele origin: germline. Affected: yes.
Comment: Not observed at significant frequency in large population cohorts (gnomAD); In silico analysis supports that this missense variant has a deleterious effect on protein structure/function; Has not been previously published as pathogenic or benign to our knowledge